The following is an entry in ClinVar:

NM_001199753.2(CPT1C):c.146A>G (p.Asp49Gly)

Gene: CPT1C (carnitine palmitoyltransferase 1C; plus strand). Cytogenetic location: 19q13.33.
Variant type: single nucleotide variant.
Coding change: c.146A>G on transcript NM_001199753.2 (MANE Select); coding-DNA position 146, A replaced by G.
Protein change: p.Asp49Gly; replaces aspartic acid 49 with glycine.
Molecular consequence: missense variant. On other transcripts: non-coding transcript variant (1).
Genome position (GRCh38, 1-based): chr19:49,697,330, A>G. VCF-style: chr19-49697330-A-G. GRCh37 (hg19) VCF-style: chr19-50200587-A-G.
Other names: c.146A>G, p.Asp49Gly (NM_001136052.3, NM_001199752.3, NM_001378482.1 and 7 more transcripts); c.146A>G (NM_001199752.1); short protein forms D49G.
Identifiers: ClinVar variation 3901923 (VCV003901923.2).
Genomic context (GRCh38, chr19:49,697,330, plus strand): 5'-ACAGGGGCTCAGAGGAGAGGGCAGATGATTCAATGGATGCCCTTTCCTCCCCACAGAATG[A>G]CTTTCTCACCGGTGTGTTTCCTGCCAGCCCCCTCAGTTGGCTTTTCCTCTTCAGTGCCAT-3'
Protein context (NP_001186682.1, residues 39-59): WKRHLSRFWN[Asp49Gly]FLTGVFPASP

ClinVar aggregate classification (germline): Uncertain significance. Review status: criteria provided, multiple submitters, no conflicts (2 of 4 stars). 2 submissions from 2 submitters: Uncertain significance (2). Last evaluated 2025-03-31.

Conditions:
Hereditary spastic paraplegia 73. Also called: Spastic paraplegia 73, autosomal dominant. Identifiers: Orphanet 444099, MedGen C5568981, MONDO:0014568, OMIM 616282.

gnomAD v4.1: 7 of 1,613,792 alleles (0.00043%); highest among the groups gnomAD compares: Admixed American, 0.005%; no homozygotes.

Submissions (2):

Ambry Genetics
Classification: Uncertain significance. Last evaluated: 2025-03-31. Review status: criteria provided, single submitter. Criteria: Ambry Variant Classification Scheme 2023. Collection method: clinical testing. Allele origin: germline.

Laboratorio de Genetica e Diagnostico Molecular, Hospital Israelita Albert Einstein
Classification: Uncertain significance for Hereditary spastic paraplegia 73. Last evaluated: 2023-12-06. Review status: criteria provided, single submitter. Criteria: ACMG Guidelines, 2015. Collection method: clinical testing. Allele origin: germline. Affected: yes.
Comment: ACMG classification criteria: PM2 supporting, BP4 supporting